The following is an entry in ClinVar:

NM_000245.4(MET):c.1528A>G (p.Ile510Val)

Gene: MET (MET proto-oncogene, receptor tyrosine kinase; plus strand). Cytogenetic location: 7q31.2.
Variant type: single nucleotide variant.
Coding change: c.1528A>G on transcript NM_000245.4 (MANE Select); coding-DNA position 1528, A replaced by G.
Protein change: p.Ile510Val; replaces isoleucine 510 with valine.
Molecular consequence: missense variant.
Genome position (GRCh38, 1-based): chr7:116,740,852, A>G. VCF-style: chr7-116740852-A-G. GRCh37 (hg19) VCF-style: chr7-116380906-A-G.
Other names: c.1528A>G, p.Ile510Val (NM_001127500.3, NM_001324401.3); c.238A>G, p.Ile80Val (NM_001324402.2); short protein forms I510V, I80V.
Identifiers: ClinVar variation 3652899 (VCV003652899.2).

ClinVar aggregate classification (germline): Uncertain significance (1 of 4 stars; one submission).

Conditions:
Renal cell carcinoma. Identifiers: Orphanet 217071, MedGen C0007134, MeSH D002292, MONDO:0005086, HP:0005584.

Submission:

Labcorp Genetics (formerly Invitae), Labcorp
Classification: Uncertain significance for Renal cell carcinoma. Last evaluated: 2024-05-10. Review status: criteria provided, single submitter. Criteria: Invitae Variant Classification Sherloc (09022015). Collection method: clinical testing. Allele origin: germline.
Comment: This sequence change replaces isoleucine, which is neutral and non-polar, with valine, which is neutral and non-polar, at codon 510 of the MET protein (p.Ile510Val). This variant is not present in population databases (gnomAD no frequency). This variant has not been reported in the literature in individuals affected with MET-related conditions. An algorithm developed to predict the effect of missense changes on protein structure and function (PolyPhen-2) suggests that this variant is likely to be disruptive. In summary, the available evidence is currently insufficient to determine the role of this variant in disease. Therefore, it has been classified as a Variant of Uncertain Significance.